The following is an entry in ClinVar:

ClinVar aggregate classification (germline): Uncertain significance. Review status: criteria provided, multiple submitters, no conflicts (2 of 4 stars). 2 submissions from 2 submitters: Uncertain significance (2). Last evaluated 2025-12-10.

Conditions:
Ataxia-telangiectasia syndrome (AT). Also called: LOUIS-BAR SYNDROME; Cerebello-oculocutaneous telangiectasia; Immunodeficiency with ataxia telangiectasia; Ataxia-telangiectasia, complementation group E; Ataxia-telangiectasia, complementation group D; AT, COMPLEMENTATION GROUP C. Identifiers: Orphanet 100, MedGen C0004135, MONDO:0008840, OMIM 208900.
Familial cancer of breast. Also called: BREAST CANCER, FAMILIAL; Hereditary breast cancer; hereditary breast carcinoma. Identifiers: Orphanet 227535, MedGen C0346153, MONDO:0016419, OMIM 114480. Disease mechanism: loss of function.

Submissions (2):

Department of Clinical Genetics, Copenhagen University Hospital, Rigshospitalet
Classification: Uncertain significance for Familial cancer of breast; Ataxia-telangiectasia syndrome. Last evaluated: 2025-12-10. Review status: criteria provided, single submitter. Criteria: ACMG Guidelines, 2015. Collection method: clinical testing. Allele origin: germline.
Comment: The following ACMG criteria has been used: PM2_SUP (not reported in gnomAD v.4.1; PP3 (Revel score > 0.7333 (score 0.954)). Functional analysis indicates that the variant affects ATM function (PMID: 40580951)

Center for Genomic Medicine, Rigshospitalet, Copenhagen University Hospital
Classification: Uncertain significance. Last evaluated: 2025-03-04. Review status: criteria provided, single submitter. Criteria: ACMG Guidelines, 2015. Collection method: clinical testing. Allele origin: germline.

Literature cited by the submitters: PubMed 40580951 (cited by Department of Clinical Genetics, Copenhagen University Hospital, Rigshospitalet).

NM_000051.4(ATM):c.8681T>C (p.Phe2894Ser)

Genes: ATM (ATM serine/threonine kinase; plus strand), C11orf65 (chromosome 11 open reading frame 65; minus strand). Cytogenetic location: 11q22.3.
Variant type: single nucleotide variant.
Coding change: c.8681T>C on transcript NM_000051.4 (MANE Select); coding-DNA position 8681, T replaced by C.
Protein change: p.Phe2894Ser; replaces phenylalanine 2894 with serine.
Molecular consequence: missense variant. On other transcripts: intron variant (2).
Genome position (GRCh38, 1-based): chr11:108,353,775, T>C. VCF-style: chr11-108353775-T-C. GRCh37 (hg19) VCF-style: chr11-108224502-T-C.
Other names: c.8681T>C, p.Phe2894Ser (NM_001351834.2); c.640+32145A>G (NM_001330368.2); c.695-18483A>G (NM_001351110.2); short protein forms F2894S.
Identifiers: ClinVar variation 2575315 (VCV002575315.3), dbSNP rs2547514625, ClinGen allele CA382523547.